The following is an entry in ClinVar:

NM_000298.6(PKLR):c.644dup (p.Arg216fs)

Gene: PKLR (pyruvate kinase L/R; minus strand). Cytogenetic location: 1q22.
Variant type: Duplication.
Coding change: c.644dup on transcript NM_000298.6 (MANE Select); coding-DNA position 644, one base duplicated (G; older notation c.644dupG).
Protein change: p.Arg216fs; shifts the reading frame from arginine 216.
Molecular consequence: frameshift variant.
Genome position (GRCh38, 1-based): chr1:155,295,166, C duplicated on the plus strand (G on the coding strand, the reverse complement: PKLR is on the minus strand); the first of 6 consecutive C bases (chr1:155,295,166-155,295,171); duplicating any one gives the same sequence. VCF-style (leftmost placement, unchanged base first): chr1-155295165-G-GC. GRCh37 (hg19) VCF-style: chr1-155264956-G-GC.
Other names: c.551dup, p.Arg185fs (NM_181871.4); short protein forms R216fs, R185fs.
Identifiers: ClinVar variation 2981212 (VCV002981212.3), dbSNP rs1557959906, ClinGen allele CA526668907.

ClinVar aggregate classification (germline): Pathogenic (1 of 4 stars; one submission).

Submission:

Labcorp Genetics (formerly Invitae), Labcorp
Classification: Pathogenic. Last evaluated: 2023-11-12. Review status: criteria provided, single submitter. Criteria: Invitae Variant Classification Sherloc (09022015). Collection method: clinical testing. Allele origin: germline.
Comment: This sequence change creates a premature translational stop signal (p.Arg216Profs*5) in the PKLR gene. It is expected to result in an absent or disrupted protein product. Loss-of-function variants in PKLR are known to be pathogenic (PMID: 15953013, 26832193). This variant is present in population databases (no rsID available, gnomAD 0.01%). This premature translational stop signal has been observed in individual(s) with pyruvate kinase deficiency (PMID: 32043619). This variant is also known as c.639-644insG. Algorithms developed to predict the effect of sequence changes on RNA splicing suggest that this variant may disrupt the consensus splice site. For these reasons, this variant has been classified as Pathogenic.

Literature cited by the submitters: PubMed 15953013; PubMed 26832193; PubMed 32043619.